The following is an entry in ClinVar:

ClinVar aggregate classification (germline): Uncertain significance (1 of 4 stars; one submission).

Conditions:
Alagille syndrome due to a JAG1 point mutation. Also called: HEPATIC DUCTULAR HYPOPLASIA, SYNDROMATIC; Alagille Syndrome 1; JAG1-Related Alagille Syndrome. Identifiers: Orphanet 261619, Orphanet 52, MedGen C1956125, MONDO:0016862, OMIM 118450.

Submission:

Labcorp Genetics (formerly Invitae), Labcorp
Classification: Uncertain significance for Alagille syndrome due to a JAG1 point mutation. Last evaluated: 2025-09-13. Review status: criteria provided, single submitter. Criteria: Invitae Variant Classification Sherloc (09022015). Collection method: clinical testing. Allele origin: germline.
Comment: This sequence change replaces serine, which is neutral and polar, with arginine, which is basic and polar, at codon 313 of the JAG1 protein (p.Ser313Arg). This variant is not present in population databases (gnomAD no frequency). This variant has not been reported in the literature in individuals affected with JAG1-related conditions. Invitae Evidence Modeling of protein sequence and biophysical properties (such as structural, functional, and spatial information, amino acid conservation, physicochemical variation, residue mobility, and thermodynamic stability) indicates that this missense variant is not expected to disrupt JAG1 protein function with a negative predictive value of 95%. In summary, the available evidence is currently insufficient to determine the role of this variant in disease. Therefore, it has been classified as a Variant of Uncertain Significance.

NM_000214.3(JAG1):c.939C>A (p.Ser313Arg)

Gene: JAG1 (jagged canonical Notch ligand 1; minus strand). Cytogenetic location: 20p12.2.
Variant type: single nucleotide variant.
Coding change: c.939C>A on transcript NM_000214.3 (MANE Select); coding-DNA position 939, C replaced by A.
Protein change: p.Ser313Arg; replaces serine 313 with arginine.
Molecular consequence: missense variant.
Genome position (GRCh38, 1-based): chr20:10,652,198, G>T on the plus strand (C>A on the coding strand, the complement: JAG1 is on the minus strand). VCF-style: chr20-10652198-G-T. GRCh37 (hg19) VCF-style: chr20-10632846-G-T.
Other names: short protein forms S313R.
Identifiers: ClinVar variation 4778022 (VCV004778022.1).